The following is an entry in ClinVar:

NM_004444.5(EPHB4):c.2119-7T>C

Gene: EPHB4 (EPH receptor B4; minus strand). Cytogenetic location: 7q22.1.
Variant type: single nucleotide variant.
Coding change: c.2119-7T>C on transcript NM_004444.5 (MANE Select); 7 bases into the intron before coding-DNA position 2119, T replaced by C.
Molecular consequence: intron variant.
Genome position (GRCh38, 1-based): chr7:100,807,587, A>G on the plus strand (T>C on the coding strand, the complement: EPHB4 is on the minus strand). VCF-style: chr7-100807587-A-G. GRCh37 (hg19) VCF-style: chr7-100405209-A-G.
Identifiers: ClinVar variation 3051691 (VCV003051691.2), dbSNP rs1237474651, ClinGen allele CA576715932.

ClinVar aggregate classification (germline): Likely benign (0 of 4 stars; one submission).

Conditions:
EPHB4-related disorder. Also called: EPHB4-related disorders; EPHB4-related condition.

Allele frequency attached by ClinVar (database versions not stated): gnomAD exomes below 0.00001.
gnomAD v4.1: 1 of 1,611,150 alleles (0.000062%); highest among the groups gnomAD compares: Admixed American, 0.0017%; no homozygotes.

Submission:

PreventionGenetics, part of Exact Sciences
Classification: Likely benign for EPHB4-related condition. Last evaluated: 2022-03-14. Review status: no assertion criteria provided. Collection method: clinical testing. Allele origin: germline.
Comment: This variant is classified as likely benign based on ACMG/AMP sequence variant interpretation guidelines (Richards et al. 2015 PMID: 25741868, with internal and published modifications).